The following is an entry in ClinVar:

NM_001792.5(CDH2):c.1694A>G (p.Asn565Ser)

Gene: CDH2 (cadherin 2; minus strand). Cytogenetic location: 18q12.1.
Variant type: single nucleotide variant.
Coding change: c.1694A>G on transcript NM_001792.5 (MANE Select); coding-DNA position 1694, A replaced by G.
Protein change: p.Asn565Ser; replaces asparagine 565 with serine.
Molecular consequence: missense variant.
Genome position (GRCh38, 1-based): chr18:27,988,571, T>C on the plus strand (A>G on the coding strand, the complement: CDH2 is on the minus strand). VCF-style: chr18-27988571-T-C. GRCh37 (hg19) VCF-style: chr18-25568535-T-C.
Other names: c.1601A>G, p.Asn534Ser (NM_001308176.2); short protein forms N565S, N534S.
Identifiers: ClinVar variation 2990192 (VCV002990192.3), dbSNP rs766437502, ClinGen allele CA402107898.

ClinVar aggregate classification (germline): Uncertain significance (1 of 4 stars; one submission).

Submission:

Labcorp Genetics (formerly Invitae), Labcorp
Classification: Uncertain significance. Last evaluated: 2023-12-01. Review status: criteria provided, single submitter. Criteria: Invitae Variant Classification Sherloc (09022015). Collection method: clinical testing. Allele origin: germline.
Comment: This sequence change replaces asparagine, which is neutral and polar, with serine, which is neutral and polar, at codon 565 of the CDH2 protein (p.Asn565Ser). This variant is not present in population databases (gnomAD no frequency). This variant has not been reported in the literature in individuals affected with CDH2-related conditions. An algorithm developed to predict the effect of missense changes on protein structure and function (PolyPhen-2) suggests that this variant is likely to be tolerated. In summary, the available evidence is currently insufficient to determine the role of this variant in disease. Therefore, it has been classified as a Variant of Uncertain Significance.